The following is an entry in ClinVar:

NM_001943.5(DSG2):c.160G>A (p.Ala54Thr)

Gene: DSG2 (desmoglein 2; plus strand). Cytogenetic location: 18q12.1.
Variant type: single nucleotide variant.
Coding change: c.160G>A on transcript NM_001943.5 (MANE Select); coding-DNA position 160, G replaced by A.
Protein change: p.Ala54Thr; replaces alanine 54 with threonine.
Molecular consequence: missense variant.
Genome position (GRCh38, 1-based): chr18:31,519,881, G>A. VCF-style: chr18-31519881-G-A. GRCh37 (hg19) VCF-style: chr18-29099844-G-A.
Other names: short protein forms A54T.
Identifiers: ClinVar variation 929896 (VCV000929896.16), dbSNP rs549421694, ClinGen allele CA043012.

ClinVar aggregate classification (germline): Uncertain significance. Review status: criteria provided, multiple submitters, no conflicts (2 of 4 stars). 6 submissions from 6 submitters: Uncertain significance (6). Last evaluated 2025-05-03.

Conditions:
Arrhythmogenic right ventricular cardiomyopathy (ARVD). Also called: Arrhythmogenic cardiomyopathy; Cardiomyopathy, ARVC; Arrhythmogenic right ventricular dysplasia; Arrhythmogenic Right Ventricular Cardiomyopathy (ARVC). Identifiers: Orphanet 247, MedGen C0349788, MeSH D019571, MONDO:0016587. Disease mechanism: loss of function. Inheritance: Various modes of inheritance.
Cardiomyopathy (CMYO). Also called: Cardiomyopathies. Identifiers: Orphanet 167848, MedGen C0878544, MONDO:0004994, HP:0001638. Inheritance: Various modes of inheritance.
Cardiovascular phenotype. Identifiers: MedGen CN230736.
Arrhythmogenic right ventricular dysplasia 10. Also called: Arrhythmogenic Right Ventricular Dysplasia/Cardiomyopathy10; ARRHYTHMOGENIC RIGHT VENTRICULAR DYSPLASIA, FAMILIAL, 10; Arrhythmogenic right ventricular dysplasia/cardiomyopathy, type 10. Identifiers: MedGen C1857777, MONDO:0012434, OMIM 610193.

Allele frequency attached by ClinVar (database versions not stated): gnomAD exomes below 0.00001; TOPMed below 0.00001; ExAC 0.00001; gnomAD 0.00001.

Submissions (6):

Ambry Genetics
Classification: Uncertain significance for Cardiovascular phenotype. Last evaluated: 2025-05-03. Review status: criteria provided, single submitter. Criteria: Ambry Variant Classification Scheme 2023. Collection method: clinical testing. Allele origin: germline.
Comment: The p.A54T variant (also known as c.160G>A), located in coding exon 3 of the DSG2 gene, results from a G to A substitution at nucleotide position 160. The alanine at codon 54 is replaced by threonine, an amino acid with similar properties. This amino acid position is well conserved in available vertebrate species. In addition, this alteration is predicted to be tolerated by in silico analysis. Based on the available evidence, the clinical significance of this variant remains unclear.

Molecular Diagnostic Laboratory for Inherited Cardiovascular Disease, Montreal Heart Institute
Classification: Uncertain significance for Cardiovascular phenotype. Last evaluated: 2025-04-09. Review status: criteria provided, single submitter. Criteria: ACMG Guidelines, 2015. Collection method: clinical testing. Allele origin: germline. Affected: yes.
Comment: PM1, PM2, BP4

All of Us Research Program, National Institutes of Health
Classification: Uncertain significance for Arrhythmogenic right ventricular cardiomyopathy. Last evaluated: 2024-03-24. Review status: criteria provided, single submitter. Criteria: ACMG Guidelines, 2015. Collection method: clinical testing. Allele origin: germline. Inheritance: Autosomal dominant inheritance. Observed: 2 variant alleles, 2 heterozygotes.
Comment: This missense variant replaces alanine with threonine at codon 54 of the DSG2 protein. Computational prediction suggests that this variant may not impact protein structure and function (internally defined REVEL score threshold <= 0.5, PMID: 27666373). To our knowledge, functional studies have not been reported for this variant. This variant has been reported in an individual affected with cardiovascular disorder, who also carried a pathogenic variant in the KCNQ1 gene that could explain the observed phenotype (Brockman et al. 2020, DOI: 10.1101/2020.09.03.20181073). This variant has been identified in 1/249490 chromosomes in the general population by the Genome Aggregation Database (gnomAD). The available evidence is insufficient to determine the role of this variant in disease conclusively. Therefore, this variant is classified as a Variant of Uncertain Significance.

This study involves interpretation of variants in research participants for the purpose of population health screening. Participant phenotype was not available at the time of variant classification. Additional details can be found in publication PMID: 35346344, PMCID: PMC8962531

Color Diagnostics, LLC DBA Color Health
Classification: Uncertain significance for Cardiomyopathy. Last evaluated: 2024-02-16. Review status: criteria provided, single submitter. Criteria: ACMG Guidelines, 2015. Collection method: clinical testing. Allele origin: germline.
Comment: This missense variant replaces alanine with threonine at codon 54 of the DSG2 protein. Computational prediction suggests that this variant may not impact protein structure and function (internally defined REVEL score threshold <= 0.5, PMID: 27666373). To our knowledge, functional studies have not been reported for this variant. This variant has been reported in an individual affected with cardiovascular disorder, who also carried a pathogenic variant in the KCNQ1 gene that could explain the observed phenotype (Brockman et al. 2020, DOI: 10.1101/2020.09.03.20181073). This variant has been identified in 1/249490 chromosomes in the general population by the Genome Aggregation Database (gnomAD). The available evidence is insufficient to determine the role of this variant in disease conclusively. Therefore, this variant is classified as a Variant of Uncertain Significance.

Labcorp Genetics (formerly Invitae), Labcorp
Classification: Uncertain significance for Arrhythmogenic right ventricular dysplasia 10. Last evaluated: 2021-08-31. Review status: criteria provided, single submitter. Criteria: Invitae Variant Classification Sherloc (09022015). Collection method: clinical testing. Allele origin: germline.
Comment: This sequence change replaces alanine with threonine at codon 54 of the DSG2 protein (p.Ala54Thr). The alanine residue is moderately conserved and there is a small physicochemical difference between alanine and threonine. This variant is present in population databases (rs549421694, ExAC 0.006%). This variant has not been reported in the literature in individuals affected with DSG2-related conditions. Algorithms developed to predict the effect of missense changes on protein structure and function are either unavailable or do not agree on the potential impact of this missense change (SIFT: "Deleterious"; PolyPhen-2: "Possibly Damaging"; Align-GVGD: "Class C0"). In summary, the available evidence is currently insufficient to determine the role of this variant in disease. Therefore, it has been classified as a Variant of Uncertain Significance.

Laboratory for Molecular Medicine, Mass General Brigham Personalized Medicine
Classification: Uncertain significance. Last evaluated: 2019-03-15. Review status: criteria provided, single submitter. Criteria: LMM Criteria. Collection method: clinical testing. Allele origin: germline. Observed: 1 variant allele.
Comment: The p.Ala54Thr variant in DSG2 has not been previously reported in individuals with ARVC but has been identified in 0.003% (1/30602) of South Asian chromosomes by gnomAD. Computational prediction tools and conservation analysis suggest that this variant may not impact the protein, though this information is not predictive enough to rule out pathogenicity. In summary, the clinical significance of the p.Ala54Thr variant is uncertain. ACMG/AMP Criteria applied: PM2, BP4.